The following is an entry in ClinVar:

NM_152564.5(VPS13B):c.7304C>T (p.Ala2435Val)

Gene: VPS13B (vacuolar protein sorting 13 homolog B; plus strand). Cytogenetic location: 8q22.2.
Variant type: single nucleotide variant.
Coding change: c.7304C>T on transcript NM_152564.5 (MANE Select); coding-DNA position 7304, C replaced by T.
Protein change: p.Ala2435Val; replaces alanine 2435 with valine.
Molecular consequence: missense variant.
Genome position (GRCh38, 1-based): chr8:99,776,831, C>T. VCF-style: chr8-99776831-C-T. GRCh37 (hg19) VCF-style: chr8-100789059-C-T.
Other names: c.7379C>T, p.Ala2460Val (NM_017890.5); short protein forms A2435V, A2460V.
Identifiers: ClinVar variation 2579051 (VCV002579051.25), dbSNP rs752558975, ClinGen allele CA4824190.

ClinVar aggregate classification (germline): Uncertain significance (1 of 4 stars; one submission).

Allele frequency attached by ClinVar (database versions not stated): gnomAD exomes below 0.00001; ExAC 0.00001.
gnomAD v4.1: 5 of 1,614,036 alleles (0.00031%); highest among the groups gnomAD compares: South Asian, 0.0055%; no homozygotes.

Submission:

CeGaT Center for Human Genetics Tuebingen
Classification: Uncertain significance. Last evaluated: 2023-07-01. Review status: criteria provided, single submitter. Criteria: CeGaT Center For Human Genetics Tuebingen Variant Classification Criteria Version 2. Collection method: clinical testing. Allele origin: germline. Affected: yes. Observed: 2 variant alleles.
Comment: VPS13B: PM2